The following is an entry in ClinVar:

NM_001267550.2(TTN):c.69412+8G>A

Genes: TTN (titin; minus strand), TTN-AS1 (TTN antisense RNA 1; plus strand). Cytogenetic location: 2q31.2.
Variant type: single nucleotide variant.
Coding change: c.69412+8G>A on transcript NM_001267550.2 (MANE Select); 8 bases into the intron after coding-DNA position 69412, G replaced by A.
Molecular consequence: intron variant.
Genome position (GRCh38, 1-based): chr2:178,576,915, C>T on the plus strand (G>A on the coding strand, the complement: TTN is on the minus strand). VCF-style: chr2-178576915-C-T. GRCh37 (hg19) VCF-style: chr2-179441642-C-T.
Other names: c.42217+8G>A (NM_003319.4); c.42793+8G>A (NM_133437.4); c.42592+8G>A (NM_133432.3); c.61708+8G>A (NM_133378.4); c.64489+8G>A (NM_001256850.1).
Identifiers: ClinVar variation 1109873 (VCV001109873.10), dbSNP rs753461234, ClinGen allele CA1990944.

ClinVar aggregate classification (germline): Likely benign. Review status: criteria provided, multiple submitters, no conflicts (2 of 4 stars). 2 submissions from 2 submitters: Likely benign (2). Last evaluated 2026-08-06.

Conditions:
TTN-related disorder. Also called: TTN-related condition; TTN-related disease; TTN-related disorders.
Autosomal recessive limb-girdle muscular dystrophy type 2J (LGMDR10). Also called: Limb-girdle muscular dystrophy, type 2J; MUSCULAR DYSTROPHY, LIMB-GIRDLE, AUTOSOMAL RECESSIVE 10. Identifiers: Orphanet 140922, MedGen C1837342, MONDO:0012127, OMIM 608807.
Dilated cardiomyopathy 1G (CMD1G). Identifiers: Orphanet 154, MedGen C1858763, MONDO:0011400, OMIM 604145.

Allele frequency attached by ClinVar (database versions not stated): ExAC 0.00001; gnomAD exomes 0.00001 and 0.00002; gnomAD 0.00003 and 0.00004; TOPMed 0.00007.
gnomAD v4.1: 14 of 1,609,702 alleles (0.00087%); highest among the groups gnomAD compares: African/African-American, 0.017%; no homozygotes.

Submissions (2):

PreventionGenetics, part of Exact Sciences
Classification: Likely benign for TTN-related condition. Last evaluated: 2026-08-06. Review status: criteria provided, single submitter. Criteria: ACMG Guidelines, 2015. Collection method: clinical testing. Allele origin: germline.
Comment: This variant is classified as likely benign based on ACMG/AMP sequence variant interpretation guidelines (Richards et al. 2015 PMID: 25741868, with internal and published modifications).

Labcorp Genetics (formerly Invitae), Labcorp
Classification: Likely benign for Dilated cardiomyopathy 1G; Autosomal recessive limb-girdle muscular dystrophy type 2J. Last evaluated: 2025-12-28. Review status: criteria provided, single submitter. Criteria: Invitae Variant Classification Sherloc (09022015). Collection method: clinical testing. Allele origin: germline.